The following is an entry in ClinVar:

ClinVar aggregate classification (germline): Uncertain significance (1 of 4 stars; one submission).

Conditions:
Hereditary cancer-predisposing syndrome. Also called: Neoplastic Syndromes, Hereditary; Tumor predisposition; Hereditary Cancer Syndrome; Hereditary neoplastic syndrome. Identifiers: Orphanet 140162, MedGen C0027672, MeSH D009386, MONDO:0015356.

Submission:

Ambry Genetics
Classification: Uncertain significance for Hereditary cancer-predisposing syndrome. Last evaluated: 2025-10-20. Review status: criteria provided, single submitter. Criteria: Ambry Variant Classification Scheme 2023. Collection method: clinical testing. Allele origin: germline.
Comment: The c.1066+1G>C intronic variant results from a G to C substitution one nucleotide after coding exon 12 of the CDC73 gene. Alterations that disrupt the canonical splice site are expected to result in aberrant splicing. In silico splice site analysis predicts that this alteration will weaken the native splice donor site and may result in the creation or strengthening of a novel splice donor site. A resulting transcript is predicted to be in-frame and is not expected to trigger nonsense-mediated mRNAdecay. RNA studies have demonstrated that this alteration results in a transcript predicted to lead to a protein with an in-frame deletion of 12 amino acids; however, the exact functional impact of the deleted amino acids are unknown at this time (Ambry internal data). This nucleotide position is highly conserved in available vertebrate species. Based on the available evidence, the clinical significance of this variant remains unclear.

NM_024529.5(CDC73):c.1066+1G>C

Gene: CDC73 (cell division cycle 73; plus strand). Cytogenetic location: 1q31.2.
Variant type: single nucleotide variant.
Coding change: c.1066+1G>C on transcript NM_024529.5 (MANE Select); the canonical splice donor site of the intron after coding-DNA position 1066, G replaced by C.
Molecular consequence: splice donor variant.
Genome position (GRCh38, 1-based): chr1:193,212,101, G>C. VCF-style: chr1-193212101-G-C. GRCh37 (hg19) VCF-style: chr1-193181231-G-C.
Identifiers: ClinVar variation 4631520 (VCV004631520.1).
Genomic context (GRCh38, chr1:193,212,101, plus strand): 5'-TGTGATTTTTTTTCTTTTTCACAGTTTCTCAAGCAAGACCTCCCCCAAATCAGAAGAAAG[G>C]TGAGGTTGTGCATATGATTTTAAACTTAACTTTAAAAAGTAAATGATTGCAAAACCAGGC-3'